The following is an entry in ClinVar:

ClinVar aggregate classification (germline): Benign/Likely benign. Review status: criteria provided, multiple submitters, no conflicts (2 of 4 stars). 4 submissions from 4 submitters: Benign (1); Likely benign (2). 1 of the submissions does not count toward it. Last evaluated 2026-04-01.

Conditions:
FDFT1-related disorder. Also called: FDFT1-related condition.

Allele frequency attached by ClinVar (database versions not stated): 1000 Genomes Project 0.00160; 1000 Genomes Project 30x 0.00172; gnomAD 0.00492 and 0.00537; ESP Exome Variant Server 0.00623; TOPMed 0.00644.
gnomAD v4.1: 12,410 of 1,613,724 alleles (0.77%); highest among the groups gnomAD compares: Non-Finnish European, 0.96%; 71 homozygotes.

Submissions (4):

CeGaT Center for Human Genetics Tuebingen
Classification: Likely benign. Last evaluated: 2026-04-01. Review status: criteria provided, single submitter. Criteria: CeGaT Center For Human Genetics Tuebingen Variant Classification Criteria Version 2. Collection method: clinical testing. Allele origin: germline. Affected: yes. Observed: 23 variant alleles.
Comment: FDFT1: BP4, BP7, BS2

Labcorp Genetics (formerly Invitae), Labcorp
Classification: Benign. Last evaluated: 2019-12-31. Review status: criteria provided, single submitter. Criteria: Invitae Variant Classification Sherloc (09022015). Collection method: clinical testing. Allele origin: germline.

Breakthrough Genomics
Classification: Likely benign. Review status: criteria provided, single submitter. Criteria: ACMG Guidelines, 2015. Collection method: not provided. Allele origin: germline. Inheritance: Autosomal recessive inheritance. Affected: yes.

PreventionGenetics, part of Exact Sciences
Classification: Benign for FDFT1-related condition. Last evaluated: 2019-08-15. Review status: no assertion criteria provided. Collection method: clinical testing. Allele origin: germline. Not counted in ClinVar's aggregate classification.
Comment: This variant is classified as benign based on ACMG/AMP sequence variant interpretation guidelines (Richards et al. 2015 PMID: 25741868, with internal and published modifications).

NM_004462.5(FDFT1):c.459G>A (p.Gly153=)

Gene: FDFT1 (farnesyl-diphosphate farnesyltransferase 1). Cytogenetic location: 8p23.1.
Variant type: single nucleotide variant.
Coding change: c.459G>A on transcript NM_004462.5 (MANE Select); coding-DNA position 459, G replaced by A.
Protein change: p.Gly153=; no amino-acid change (glycine 153 retained).
Molecular consequence: synonymous variant. On other transcripts: intron variant (1).
Genome position (GRCh38, 1-based): chr8:11,821,827, G>A. VCF-style: chr8-11821827-G-A. GRCh37 (hg19) VCF-style: chr8-11679336-G-A.
Other names: c.459G>A, p.Gly153= (NM_001287742.2, NM_001287743.2); c.267G>A, p.Gly89= (NM_001287744.2, NM_001287745.2, NM_001287747.2 and 2 more transcripts); c.636G>A, p.Gly212= (NM_001287750.2); c.204G>A, p.Gly68= (NM_001287751.2); c.65-4252G>A (NM_001287756.2); c.636G>A (NM_001287750.1).
Identifiers: ClinVar variation 775083 (VCV000775083.37), dbSNP rs139354492, ClinGen allele CA4631808.